The following is an entry in ClinVar:

ClinVar aggregate classification (germline): Uncertain significance. Review status: criteria provided, multiple submitters, no conflicts (2 of 4 stars). 2 submissions from 2 submitters: Uncertain significance (2).

Conditions:
Structural heart defects and renal anomalies syndrome (SHDRA). Identifiers: Orphanet 689822, MedGen C4479549, MONDO:0044321, OMIM 617478.

Submissions (2):

Juno Genomics, Hangzhou Juno Genomics, Inc
Classification: Uncertain significance for Structural heart defects and renal anomalies syndrome. Review status: criteria provided, single submitter. Criteria: ACMG Guidelines, 2015. Collection method: clinical testing. Allele origin: germline. Affected: yes.
Comment: Absent from controls (or at extremely low frequency if recessive) in Genome Aggregation Database, Exome Sequencing Project, 1000 Genomes Project, or Exome Aggregation Consortium.;Multiple lines of computational evidence support a deleterious effect on the gene or gene product (conservation, evolutionary, splicing impact, etc).;For recessive disorders, detected in trans with a pathogenic variant.

Neonatal Intensive Care Unit, Jiangxi Provincial Children's Hospital
Classification: Uncertain significance for Structural heart defects and renal anomalies syndrome. Review status: criteria provided, single submitter. Criteria: ACMG Guidelines, 2015. Collection method: research. Allele origin: paternal. Inheritance: Autosomal recessive inheritance.

NM_017799.4(TMEM260):c.817-9T>A

Gene: TMEM260 (transmembrane protein 260; plus strand). Cytogenetic location: 14q22.3.
Variant type: single nucleotide variant.
Coding change: c.817-9T>A on transcript NM_017799.4 (MANE Select); 9 bases into the intron before coding-DNA position 817, T replaced by A.
Molecular consequence: intron variant.
Genome position (GRCh38, 1-based): chr14:56,612,236, T>A. VCF-style: chr14-56612236-T-A. GRCh37 (hg19) VCF-style: chr14-57078954-T-A.
Identifiers: ClinVar variation 3233362 (VCV003233362.4), dbSNP rs746590544, ClinGen allele CA2825002235.